The following is an entry in ClinVar:

NM_014251.3(SLC25A13):c.754G>A (p.Glu252Lys)

Gene: SLC25A13 (solute carrier family 25 member 13; minus strand). Cytogenetic location: 7q21.3.
Variant type: single nucleotide variant.
Coding change: c.754G>A on transcript NM_014251.3 (MANE Select); coding-DNA position 754, G replaced by A.
Protein change: p.Glu252Lys; replaces glutamic acid 252 with lysine.
Molecular consequence: missense variant. On other transcripts: non-coding transcript variant (1).
Genome position (GRCh38, 1-based): chr7:96,191,109, C>T on the plus strand (G>A on the coding strand, the complement: SLC25A13 is on the minus strand). VCF-style: chr7-96191109-C-T. GRCh37 (hg19) VCF-style: chr7-95820421-C-T.
Other names: c.754G>A, p.Glu252Lys (NM_001160210.2); c.754G>A (NM_014251.2); short protein forms E252K.
Identifiers: ClinVar variation 1451920 (VCV001451920.9), dbSNP rs973986984, ClinGen allele CA162995545.

ClinVar aggregate classification (germline): Pathogenic/Likely pathogenic. Review status: criteria provided, multiple submitters, no conflicts (2 of 4 stars). 4 submissions from 4 submitters: Pathogenic (3); Likely pathogenic (1). Last evaluated 2023-09-26.

Conditions:
Citrullinemia, type II, adult-onset (CDAA). Also called: CITRIN DEFICIENCY, ADOLESCENT OR ADULT ONSET. Identifiers: Orphanet 247585, MedGen CN295299, MONDO:0011326, OMIM 603471.
Neonatal intrahepatic cholestasis due to citrin deficiency (CDNI). Also called: Neonatal-onset citrullinemia type II; Neonatal-onset citrullinemia type 2; CITRIN DEFICIENCY, NEONATAL OR INFANTILE ONSET; Neonatal Intrahepatic Cholestasis Caused by Citrin Deficiency (NICCD). Identifiers: Orphanet 247598, MedGen C1853942, MONDO:0011601, OMIM 605814.
Citrin deficiency. Identifiers: Orphanet 247582, MedGen C1997910, MONDO:0016602.
Citrullinemia type II. Also called: Citrullinemia Type II (CTLN2). Identifiers: Orphanet 247585, MedGen C1863844, MONDO:0016603.

Submissions (4):

Women's Health and Genetics/Laboratory Corporation of America, LabCorp
Classification: Pathogenic for Citrullinemia type II. Last evaluated: 2023-09-26. Review status: criteria provided, single submitter. Criteria: LabCorp Variant Classification Summary - May 2015. Collection method: clinical testing. Allele origin: germline.
Comment: Variant summary: SLC25A13 c.754G>A (p.Glu252Lys) results in a conservative amino acid change in the encoded protein sequence. Three of five in-silico tools predict a damaging effect of the variant on protein function. Several computational tools predict a significant impact on normal splicing: Three predict the variant weakens a canonical 5' donor site. At least one publication reports experimental evidence that this variant affects mRNA splicing (example: Lin_2012). The variant was absent in 251148 control chromosomes (gnomAD). c.754G>A has been reported in the literature in individuals affected with citrin deficiency (examples: Lin_2012, Song_2013, Fang_2021). These data indicate that the variant is likely to be associated with disease. The following publications have been ascertained in the context of this evaluation (PMID: 33763395, 22710133, 34704407, 24069319). Two submitters have cited clinical-significance assessments for this variant to ClinVar after 2014. All submitters classified the variant as pathogenic/likely pathogenic. Based on the evidence outlined above, the variant was classified as pathogenic.

Baylor Genetics
Classification: Pathogenic for Citrullinemia, type II, adult-onset. Last evaluated: 2023-09-04. Review status: criteria provided, single submitter. Criteria: ACMG Guidelines, 2015. Collection method: clinical testing. Allele origin: unknown.

Labcorp Genetics (formerly Invitae), Labcorp
Classification: Pathogenic for Citrin deficiency. Last evaluated: 2023-04-04. Review status: criteria provided, single submitter. Criteria: Invitae Variant Classification Sherloc (09022015). Collection method: clinical testing. Allele origin: germline.
Comment: ClinVar contains an entry for this variant (Variation ID: 1451920). An algorithm developed to predict the effect of missense changes on protein structure and function (PolyPhen-2) suggests that this variant is likely to be tolerated. Variants that disrupt the consensus splice site are a relatively common cause of aberrant splicing (PMID: 17576681, 9536098). Studies have shown that this missense change results in exclusion of exons 7-8 and introduces a premature termination codon (PMID: 22710133). The resulting mRNA is expected to undergo nonsense-mediated decay. For these reasons, this variant has been classified as Pathogenic. This variant is not present in population databases (gnomAD no frequency). This sequence change replaces glutamic acid, which is acidic and polar, with lysine, which is basic and polar, at codon 252 of the SLC25A13 protein (p.Glu252Lys). RNA analysis indicates that this missense change induces altered splicing and may result in an absent or disrupted protein product. This missense change has been observed in individual(s) with citrin deficiency (PMID: 24069319, 24161253). In at least one individual the data is consistent with being in trans (on the opposite chromosome) from a pathogenic variant.

Fulgent Genetics
Classification: Likely pathogenic for Citrullinemia, type II, adult-onset; Neonatal intrahepatic cholestasis due to citrin deficiency. Last evaluated: 2022-05-20. Review status: criteria provided, single submitter. Criteria: ACMG Guidelines, 2015. Collection method: clinical testing. Allele origin: unknown.

Literature cited by the submitters: PubMed 33763395 (cited by Women's Health and Genetics/Laboratory Corporation of America, LabCorp); PubMed 24069319 (cited by Women's Health and Genetics/Laboratory Corporation of America, LabCorp and Labcorp Genetics (formerly Invitae), Labcorp); PubMed 22710133 (cited by Women's Health and Genetics/Laboratory Corporation of America, LabCorp and Labcorp Genetics (formerly Invitae), Labcorp); PubMed 34704407 (cited by Women's Health and Genetics/Laboratory Corporation of America, LabCorp); PubMed 17576681 (cited by Labcorp Genetics (formerly Invitae), Labcorp); PubMed 9536098 (cited by Labcorp Genetics (formerly Invitae), Labcorp); PubMed 24161253 (cited by Labcorp Genetics (formerly Invitae), Labcorp).